The following is an entry in ClinVar:

ClinVar aggregate classification (germline): Benign. Review status: criteria provided, multiple submitters, no conflicts (2 of 4 stars). 2 submissions from 2 submitters: Benign (2). Last evaluated 2018-01-13.

Conditions:
Holoprosencephaly 11 (HPE11). Identifiers: Orphanet 2162, MedGen C3280215, MONDO:0013642, OMIM 614226.

Allele frequency attached by ClinVar (database versions not stated): gnomAD exomes 0.27129; 1000 Genomes Project 30x 0.27030; 1000 Genomes Project 0.27256; TOPMed 0.28361; gnomAD 0.29239 and 0.29408.
gnomAD v4.1: 47,960 of 164,026 alleles (29%); highest among the groups gnomAD compares: Non-Finnish European, 33%; 7,494 homozygotes.

Submissions (2):

Illumina Laboratory Services, Illumina
Classification: Benign for Holoprosencephaly 11. Last evaluated: 2018-01-13. Review status: criteria provided, single submitter. Criteria: ICSL Variant Classification Criteria 13 December 2019. Collection method: clinical testing. Allele origin: germline.
Comment: This variant was observed in the ICSL laboratory as part of a predisposition screen in an ostensibly healthy population. It had not been previously curated by ICSL or reported in the Human Gene Mutation Database (HGMD: prior to June 1st, 2018), and was therefore a candidate for classification through an automated scoring system. Utilizing variant allele frequency, disease prevalence and penetrance estimates, and inheritance mode, an automated score was calculated to assess if this variant is too frequent to cause the disease. Based on the score and internal cut-off values, a variant classified as benign is not then subjected to further curation. The score for this variant resulted in a classification of benign for this disease.

Breakthrough Genomics
Classification: Benign. Review status: criteria provided, single submitter. Criteria: ACMG Guidelines, 2015. Collection method: not provided. Allele origin: germline. Inheritance: Autosomal dominant inheritance. Affected: yes.

NM_001378964.1(CDON):c.*3884T>G

Gene: CDON (cell adhesion associated, oncogene regulated; minus strand). Cytogenetic location: 11q24.2.
Variant type: single nucleotide variant.
Coding change: c.*3884T>G on transcript NM_001378964.1 (MANE Select); 3884 bases downstream of the stop codon, T replaced by G.
Molecular consequence: 3 prime UTR variant.
Genome position (GRCh38, 1-based): chr11:125,957,058, A>C on the plus strand (T>G on the coding strand, the complement: CDON is on the minus strand). VCF-style: chr11-125957058-A-C. GRCh37 (hg19) VCF-style: chr11-125826953-A-C.
Other names: c.*3884T>G (NM_001243597.3, NM_016952.6).
Identifiers: ClinVar variation 303378 (VCV000303378.6), dbSNP rs13424, ClinGen allele CA10630313.